The following is an entry in ClinVar:

NM_001286611.2(REPS1):c.332G>A (p.Arg111His)

Gene: REPS1 (RALBP1 associated Eps domain containing 1; minus strand). Cytogenetic location: 6q24.1.
Variant type: single nucleotide variant.
Coding change: c.332G>A on transcript NM_001286611.2 (MANE Select); coding-DNA position 332, G replaced by A.
Protein change: p.Arg111His; replaces arginine 111 with histidine.
Molecular consequence: missense variant.
Genome position (GRCh38, 1-based): chr6:138,945,643, C>T on the plus strand (G>A on the coding strand, the complement: REPS1 is on the minus strand). VCF-style: chr6-138945643-C-T. GRCh37 (hg19) VCF-style: chr6-139266780-C-T.
Other names: c.332G>A, p.Arg111His (NM_001128617.3, NM_001286612.2, NM_031922.5); short protein forms R111H.
Identifiers: ClinVar variation 3628436 (VCV003628436.2).
Genomic context (GRCh38, chr6:138,945,643, plus strand): 5'-GGAATTACACCAGAATACGACCCTTGATTTTCAGAATCTGAAGAATATGAGGCTGCATGG[C>T]GAGATTCCTGTTCATTCTTTGAAGCAACAAATCTTGGCAGAGGAAGGTCCTTTACTGTTA-3'
Protein context (NP_001273540.1, residues 101-121): FVASKNEQES[Arg111His]HAASYSSDSE

ClinVar aggregate classification (germline): Uncertain significance (1 of 4 stars; one submission).

gnomAD v4.1: 20 of 1,612,446 alleles (0.0012%); highest among the groups gnomAD compares: South Asian, 0.0022%; no homozygotes.

Submission:

Labcorp Genetics (formerly Invitae), Labcorp
Classification: Uncertain significance. Last evaluated: 2024-08-09. Review status: criteria provided, single submitter. Criteria: Invitae Variant Classification Sherloc (09022015). Collection method: clinical testing. Allele origin: germline.
Comment: This sequence change replaces arginine, which is basic and polar, with histidine, which is basic and polar, at codon 111 of the REPS1 protein (p.Arg111His). This variant is present in population databases (rs769964858, gnomAD 0.0009%). This variant has not been reported in the literature in individuals affected with REPS1-related conditions. Advanced modeling of protein sequence and biophysical properties (such as structural, functional, and spatial information, amino acid conservation, physicochemical variation, residue mobility, and thermodynamic stability) has been performed at Invitae for this missense variant, however the output from this modeling did not meet the statistical confidence thresholds required to predict the impact of this variant on REPS1 protein function. In summary, the available evidence is currently insufficient to determine the role of this variant in disease. Therefore, it has been classified as a Variant of Uncertain Significance.